The following is an entry in ClinVar:

NM_003924.4(PHOX2B):c.429+5G>T

Gene: PHOX2B (paired like homeobox 2B; minus strand). Cytogenetic location: 4p13.
Variant type: single nucleotide variant.
Coding change: c.429+5G>T on transcript NM_003924.4 (MANE Select); 5 bases into the intron after coding-DNA position 429, G replaced by T.
Molecular consequence: intron variant.
Genome position (GRCh38, 1-based): chr4:41,747,344, C>A on the plus strand (G>T on the coding strand, the complement: PHOX2B is on the minus strand). VCF-style: chr4-41747344-C-A. GRCh37 (hg19) VCF-style: chr4-41749361-C-A.
Identifiers: ClinVar variation 858255 (VCV000858255.7), dbSNP rs1278623787, ClinGen allele CA794915894.

ClinVar aggregate classification (germline): Uncertain significance (1 of 4 stars; one submission).

Conditions:
Haddad syndrome (OHD). Also called: Ondine-Hirschsprung disease. Identifiers: Orphanet 99803, MedGen C1859049, MONDO:0020493.

Allele frequency attached by ClinVar (database versions not stated): TOPMed below 0.00001.

Submission:

Labcorp Genetics (formerly Invitae), Labcorp
Classification: Uncertain significance for Haddad syndrome. Last evaluated: 2025-07-31. Review status: criteria provided, single submitter. Criteria: Invitae Variant Classification Sherloc (09022015). Collection method: clinical testing. Allele origin: germline.
Comment: This sequence change falls in intron 2 of the PHOX2B gene. It does not directly change the encoded amino acid sequence of the PHOX2B protein. It affects a nucleotide within the consensus splice site. This variant is not present in population databases (gnomAD no frequency). This variant has not been reported in the literature in individuals affected with PHOX2B-related conditions. ClinVar contains an entry for this variant (Variation ID: 858255). Variants that disrupt the consensus splice site are a relatively common cause of aberrant splicing (PMID: 17576681, 9536098). Algorithms developed to predict the effect of sequence changes on RNA splicing suggest that this variant is not likely to affect RNA splicing. In summary, the available evidence is currently insufficient to determine the role of this variant in disease. Therefore, it has been classified as a Variant of Uncertain Significance.

Literature cited by the submitters: PubMed 17576681; PubMed 9536098.